The following is an entry in ClinVar:

NM_000536.4(RAG2):c.410G>A (p.Arg137Lys)

Gene: RAG2 (recombination activating 2; minus strand). Cytogenetic location: 11p12.
Variant type: single nucleotide variant.
Coding change: c.410G>A on transcript NM_000536.4 (MANE Select); coding-DNA position 410, G replaced by A.
Protein change: p.Arg137Lys; replaces arginine 137 with lysine.
Molecular consequence: missense variant.
Genome position (GRCh38, 1-based): chr11:36,593,759, C>T on the plus strand (G>A on the coding strand, the complement: RAG2 is on the minus strand). VCF-style: chr11-36593759-C-T. GRCh37 (hg19) VCF-style: chr11-36615309-C-T.
Other names: c.410G>A, p.Arg137Lys (NM_001243785.2, NM_001243786.2); short protein forms R137K.
Identifiers: ClinVar variation 2585038 (VCV002585038.1), dbSNP rs1393952576, ClinGen allele CA380143206.

ClinVar aggregate classification (germline): Uncertain significance (1 of 4 stars; one submission).

Conditions:
Severe combined immunodeficiency, autosomal recessive, T cell-negative, B cell-negative, NK cell-positive. Also called: SCID, T CELL-NEGATIVE, B CELL-NEGATIVE, NK CELL-POSITIVE; SCID, AR, T-cell negative, B-cell negative, NK cell-positive; Severe combined immunodeficiency due to complete RAG1/2 deficiency. Identifiers: Orphanet 331206, MedGen C1832322, MONDO:0011086, OMIM 601457.

Allele frequency attached by ClinVar (database versions not stated): TOPMed below 0.00001; gnomAD 0.00001.

Submission:

Neuberg Centre For Genomic Medicine, NCGM
Classification: Uncertain significance for Severe combined immunodeficiency, autosomal recessive, T cell-negative, B cell-negative, NK cell-positive. Review status: criteria provided, single submitter. Criteria: ACMG Guidelines, 2015. Collection method: clinical testing. Allele origin: germline. Inheritance: Autosomal recessive inheritance. Affected: yes.
Comment: The missense c.410G>A(p.Arg137Lys) variant in RAG2 gene has been submitted to ClinVar as a Variant of Uncertain Significance. It has not been reported in affected individuals. The variant is novel (not in any individuals) in gnomAD Exomes and is novel (not in any individuals) in 1000 Genomes. The amino acid Arg at position 137 is changed to a Lys changing protein sequence and it might alter its composition and physico-chemical properties. The amino acid change p.Arg137Lys in RAG2 is predicted as conserved by GERP++ and PhyloP across 100 vertebrates. For these reasons, this variant has been classified as Uncertain Significance.